The following is an entry in ClinVar:

ClinVar aggregate classification (germline): Uncertain significance (1 of 4 stars; one submission).

Submission:

GeneDx
Classification: Uncertain significance. Last evaluated: 2025-06-03. Review status: criteria provided, single submitter. Criteria: GeneDx Variant Classification Process June 2021. Collection method: clinical testing. Allele origin: germline. Affected: yes.
Comment: Not observed at significant frequency in large population cohorts (gnomAD); In silico analysis supports that this missense variant has a deleterious effect on protein structure/function; Has not been previously published as pathogenic or benign to our knowledge

NM_001127222.2(CACNA1A):c.3514C>G (p.Pro1172Ala)

Gene: CACNA1A (calcium voltage-gated channel subunit alpha1 A; minus strand). Cytogenetic location: 19p13.13.
Variant type: single nucleotide variant.
Coding change: c.3514C>G on transcript NM_001127222.2 (MANE Select); coding-DNA position 3514, C replaced by G.
Protein change: p.Pro1172Ala; replaces proline 1172 with alanine.
Molecular consequence: missense variant.
Genome position (GRCh38, 1-based): chr19:13,286,542, G>C on the plus strand (C>G on the coding strand, the complement: CACNA1A is on the minus strand). VCF-style: chr19-13286542-G-C. GRCh37 (hg19) VCF-style: chr19-13397356-G-C.
Other names: c.3517C>G, p.Pro1173Ala (NM_001127221.2, NM_001174080.2); c.3526C>G, p.Pro1176Ala (NM_023035.3, NM_000068.4); short protein forms P1172A, P1173A, P1176A.
Identifiers: ClinVar variation 4536427 (VCV004536427.1).